The following is an entry in ClinVar:

NM_006922.4(SCN3A):c.1453T>G (p.Ser485Ala)

Gene: SCN3A (sodium voltage-gated channel alpha subunit 3; minus strand). Cytogenetic location: 2q24.3.
Variant type: single nucleotide variant.
Coding change: c.1453T>G on transcript NM_006922.4 (MANE Select); coding-DNA position 1453, T replaced by G.
Protein change: p.Ser485Ala; replaces serine 485 with alanine.
Molecular consequence: missense variant.
Genome position (GRCh38, 1-based): chr2:165,146,957, A>C on the plus strand (T>G on the coding strand, the complement: SCN3A is on the minus strand). VCF-style: chr2-165146957-A-C. GRCh37 (hg19) VCF-style: chr2-166003467-A-C.
Other names: c.1453T>G, p.Ser485Ala (NM_001081676.2, NM_001081677.2); c.1453T>G (NM_006922.3); short protein forms S485A.
Identifiers: ClinVar variation 1017373 (VCV001017373.11), dbSNP rs1688386419, ClinGen allele CA349236732.

ClinVar aggregate classification (germline): Uncertain significance. Review status: criteria provided, multiple submitters, no conflicts (2 of 4 stars). 2 submissions from 2 submitters: Uncertain significance (2). Last evaluated 2026-07-29.

Submissions (2):

GeneDx
Classification: Uncertain significance. Last evaluated: 2026-07-29. Review status: criteria provided, single submitter. Criteria: GeneDx Variant Classification Process June 2021. Collection method: clinical testing. Allele origin: germline.
Comment: Not observed at significant frequency in large population cohorts (gnomAD); In silico analysis supports that this missense variant has a deleterious effect on protein structure/function; Has not been previously published as pathogenic or benign to our knowledge

Labcorp Genetics (formerly Invitae), Labcorp
Classification: Uncertain significance. Last evaluated: 2023-05-08. Review status: criteria provided, single submitter. Criteria: Invitae Variant Classification Sherloc (09022015). Collection method: clinical testing. Allele origin: germline.
Comment: This sequence change replaces serine, which is neutral and polar, with alanine, which is neutral and non-polar, at codon 485 of the SCN3A protein (p.Ser485Ala). This variant is not present in population databases (gnomAD no frequency). This variant has not been reported in the literature in individuals affected with SCN3A-related conditions. ClinVar contains an entry for this variant (Variation ID: 1017373). Advanced modeling of protein sequence and biophysical properties (such as structural, functional, and spatial information, amino acid conservation, physicochemical variation, residue mobility, and thermodynamic stability) has been performed at Invitae for this missense variant, however the output from this modeling did not meet the statistical confidence thresholds required to predict the impact of this variant on SCN3A protein function. In summary, the available evidence is currently insufficient to determine the role of this variant in disease. Therefore, it has been classified as a Variant of Uncertain Significance.